The following is an entry in ClinVar:

NM_172107.4(KCNQ2):c.1232C>T (p.Pro411Leu)

Gene: KCNQ2 (potassium voltage-gated channel subfamily Q member 2; minus strand). Cytogenetic location: 20q13.33.
Variant type: single nucleotide variant.
Coding change: c.1232C>T on transcript NM_172107.4 (MANE Select); coding-DNA position 1232, C replaced by T.
Protein change: p.Pro411Leu; replaces proline 411 with leucine.
Molecular consequence: missense variant.
Genome position (GRCh38, 1-based): chr20:63,424,192, G>A on the plus strand (C>T on the coding strand, the complement: KCNQ2 is on the minus strand). VCF-style: chr20-63424192-G-A. GRCh37 (hg19) VCF-style: chr20-62055545-G-A.
Other names: c.1202C>T, p.Pro401Leu (NM_004518.6); c.1232C>T, p.Pro411Leu (NM_172106.3, NM_172108.5); short protein forms P411L, P401L.
Identifiers: ClinVar variation 461404 (VCV000461404.24), dbSNP rs754682495, ClinGen allele CA9958552.

ClinVar aggregate classification (germline): Conflicting classifications of pathogenicity. Review status: criteria provided, conflicting classifications (1 of 4 stars). 4 submissions from 4 submitters: Uncertain significance (3); Likely benign (1). Last evaluated 2025-09-08.

Conditions:
Early-infantile DEE. Also called: Early infantile epileptic encephalopathy; Ohtahara syndrome; Early infantile epileptic encephalopathy with suppression bursts. Identifiers: Orphanet 1934, MedGen C0393706, MONDO:0800491.
Inborn genetic diseases. Identifiers: MedGen C0950123, MeSH D030342.

Allele frequency attached by ClinVar (database versions not stated): gnomAD 0.00001; TOPMed 0.00001; gnomAD exomes 0.00002; ExAC 0.00009; 1000 Genomes Project 30x 0.00016.
gnomAD v4.1: 14 of 1,556,060 alleles (0.0009%); highest among the groups gnomAD compares: South Asian, 0.0059%; no homozygotes.

Submissions (4):

Women's Health and Genetics/Laboratory Corporation of America, LabCorp
Classification: Uncertain significance. Last evaluated: 2025-09-08. Review status: criteria provided, single submitter. Criteria: LabCorp Variant Classification Summary - May 2015. Collection method: clinical testing. Allele origin: germline.
Comment: Variant summary: KCNQ2 c.1232C>T (p.Pro411Leu) results in a non-conservative amino acid change in the encoded protein sequence. Algorithms developed to predict the effect of missense changes on protein structure and function all suggest that this variant is likely to be disruptive. The variant allele was found at a frequency of 1.8e-05 in 162788 control chromosomes. The available data on variant occurrences in the general population are insufficient to allow any conclusion about variant significance. To our knowledge, no occurrence of c.1232C>T in individuals affected with KCNQ2-related conditions and no experimental evidence demonstrating its impact on protein function have been reported. ClinVar contains an entry for this variant (Variation ID: 461404). Based on the evidence outlined above, the variant was classified as uncertain significance.

Labcorp Genetics (formerly Invitae), Labcorp
Classification: Likely benign for Early-infantile DEE. Last evaluated: 2025-05-14. Review status: criteria provided, single submitter. Criteria: Invitae Variant Classification Sherloc (09022015). Collection method: clinical testing. Allele origin: germline.

CeGaT Center for Human Genetics Tuebingen
Classification: Uncertain significance. Last evaluated: 2024-11-01. Review status: criteria provided, single submitter. Criteria: CeGaT Center For Human Genetics Tuebingen Variant Classification Criteria Version 2. Collection method: clinical testing. Allele origin: germline. Affected: yes. Observed: 1 variant allele.

Ambry Genetics
Classification: Uncertain significance for Inborn genetic diseases. Last evaluated: 2021-11-15. Review status: criteria provided, single submitter. Criteria: Ambry Variant Classification Scheme 2023. Collection method: clinical testing. Allele origin: germline.